The following is an entry in ClinVar:

NM_000245.4(MET):c.2584-9del

Gene: MET (MET proto-oncogene, receptor tyrosine kinase; plus strand). Cytogenetic location: 7q31.2.
Variant type: Deletion.
Coding change: c.2584-9del on transcript NM_000245.4 (MANE Select); 9 bases into the intron before coding-DNA position 2584, one base deleted (T; older notation c.2584-9delT).
Molecular consequence: intron variant.
Genome position (GRCh38, 1-based): chr7:116,769,636, T deleted; the last of 15 consecutive T bases (chr7:116,769,622-116,769,636); deleting any one gives the same sequence. VCF-style (leftmost placement, unchanged base first): chr7-116769621-CT-C. GRCh37 (hg19) VCF-style: chr7-116409675-CT-C.
Other names: c.2638-9del (NM_001127500.3); c.1294-9del (NM_001324402.2); c.2584-9del (NM_001324401.3); c.2638-9delT (NM_001127500.3).
Identifiers: ClinVar variation 802351 (VCV000802351.17), dbSNP rs57349036, ClinGen allele CA4448526.
Genomic context (GRCh38, chr7:116,769,621, plus strand): 5'-GTATATTTATATTCCTTTGCCATTGTTAGCATTCCTGCAGAACTGTGAAGTGTTAACAAC[CT>C]TTTTTTTTTTTTTTCCTTTCAGGGAAATGATATTGACCCTGAAGCAGTTAAAGGTGAAGT-3'

ClinVar aggregate classification (germline): Benign. Review status: criteria provided, multiple submitters, no conflicts (2 of 4 stars). 8 submissions from 8 submitters: Benign (5). 3 of the submissions do not count toward it. Last evaluated 2025-03-04.

Conditions:
Autosomal recessive nonsyndromic hearing loss 97. Also called: Deafness, autosomal recessive 97. Identifiers: Orphanet 90636, MedGen C4084709, MONDO:0014739, OMIM 616705.
Papillary renal cell carcinoma type 1 (RCCP1). Also called: Renal adenocarcinoma; Renal cell carcinoma 1; Renal cell carcinoma, somatic; RENAL CELL CARCINOMA, PAPILLARY, 1, SOMATIC. Identifiers: Orphanet 47044, MedGen C1336839, OMIM 605074, HP:0011797.

Submissions (8):

Center for Genomic Medicine, Rigshospitalet, Copenhagen University Hospital
Classification: Benign. Last evaluated: 2025-03-04. Review status: criteria provided, single submitter. Criteria: ACMG Guidelines, 2015. Collection method: clinical testing. Allele origin: germline.

Myriad Genetics, Inc.
Classification: Benign for Papillary renal cell carcinoma type 1. Last evaluated: 2024-11-12. Review status: criteria provided, single submitter. Criteria: Myriad Autosomal Dominant, Autosomal Recessive and X-Linked Classification Criteria (2023). Collection method: clinical testing. Allele origin: unknown.
Comment: This variant is considered benign. This variant is intronic and is not expected to impact mRNA splicing.

Genome-Nilou Lab
Classification: Benign for Autosomal recessive nonsyndromic hearing loss 97. Last evaluated: 2021-09-05. Review status: criteria provided, single submitter. Criteria: ACMG Guidelines, 2015. Collection method: clinical testing. Allele origin: germline. Affected: no.

GeneDx
Classification: Benign. Last evaluated: 2019-08-16. Review status: criteria provided, single submitter. Criteria: GeneDx Variant Classification Process June 2021. Collection method: clinical testing. Allele origin: germline. Affected: yes.

Mendelics
Classification: Benign for Papillary renal cell carcinoma type 1. Last evaluated: 2019-05-28. Review status: criteria provided, single submitter. Criteria: Mendelics Assertion Criteria 2017. Collection method: clinical testing. Allele origin: unknown.

Clinical Genetics Laboratory, Department of Pathology, Netherlands Cancer Institute
Classification: Benign. Review status: no assertion criteria provided. Collection method: clinical testing. Allele origin: germline. Affected: yes. Study: VKGL Data-share Consensus. Not counted in ClinVar's aggregate classification.

Diagnostic Laboratory, Department of Genetics, University Medical Center Groningen
Classification: Benign. Review status: no assertion criteria provided. Collection method: clinical testing. Allele origin: germline. Affected: yes. Study: VKGL Data-share Consensus. Not counted in ClinVar's aggregate classification.

Genome Diagnostics Laboratory, University Medical Center Utrecht
Classification: Benign. Review status: no assertion criteria provided. Collection method: clinical testing. Allele origin: germline. Affected: yes. Study: VKGL Data-share Consensus. Not counted in ClinVar's aggregate classification.